The following is an entry in ClinVar:

NM_000038.6(APC):c.607C>G (p.Gln203Glu)

Gene: APC (APC regulator of Wnt signaling pathway; plus strand). Cytogenetic location: 5q22.2.
Variant type: single nucleotide variant.
Coding change: c.607C>G on transcript NM_000038.6 (MANE Select); coding-DNA position 607, C replaced by G.
Protein change: p.Gln203Glu; replaces glutamine 203 with glutamic acid.
Molecular consequence: missense variant. On other transcripts: 5 prime UTR variant (1).
Genome position (GRCh38, 1-based): chr5:112,780,865, C>G. VCF-style: chr5-112780865-C-G. GRCh37 (hg19) VCF-style: chr5-112116562-C-G.
Other names: p.Q203E:CAA>GAA; CCDS4107.1:c.607C>G; c.607C>G, p.Gln203Glu (NM_001127510.3, NM_001354895.2, NM_001354896.2 and 2 more transcripts); c.637C>G, p.Gln213Glu (NM_001127511.3, NM_001354897.2, NM_001354902.2); c.532C>G, p.Gln178Glu (NM_001354898.2, NM_001354904.2); c.430C>G, p.Gln144Glu (NM_001354900.2, NM_001354901.2, NM_001354905.2); c.-429C>G (NM_001354906.2); short protein forms Q203E, Q213E, Q144E, Q178E.
Identifiers: ClinVar variation 41509 (VCV000041509.75), dbSNP rs141576417, ClinGen allele CA010884.
Genomic context (GRCh38, chr5:112,780,865, plus strand): 5'-GATATGACCAGAAGGCAATTGGAATATGAAGCAAGGCAAATCAGAGTTGCGATGGAAGAA[C>G]AACTAGGTACCTGCCAGGATATGGAAAAACGAGCACAGGTAAGTTACTTGTTTCTAAGTG-3'
Protein context (NP_000029.2, residues 193-213): ARQIRVAMEE[Gln203Glu]LGTCQDMEKR

ClinVar aggregate classification (germline): Conflicting classifications of pathogenicity. Review status: criteria provided, conflicting classifications (1 of 4 stars). 23 submissions from 23 submitters: Uncertain significance (3); Benign (6); Likely benign (8). 6 of the submissions do not count toward it. Last evaluated 2026-09-01.

Conditions:
APC-Associated Polyposis Disorders.
Classic or attenuated familial adenomatous polyposis. Identifiers: MedGen CN372698, MONDO:0021057.
Hereditary cancer-predisposing syndrome. Also called: Neoplastic Syndromes, Hereditary; Hereditary neoplastic syndrome; Hereditary Cancer Syndrome; Tumor predisposition. Identifiers: Orphanet 140162, MedGen C0027672, MeSH D009386, MONDO:0015356.
Familial adenomatous polyposis 1 (FAP1). Also called: FAMILIAL ADENOMATOUS POLYPOSIS 1, ATTENUATED; POLYPOSIS, ADENOMATOUS INTESTINAL. Identifiers: MedGen C2713442, MONDO:0021056, OMIM 175100. Disease mechanism: loss of function.
Desmoid disease, hereditary (DESMD). Also called: FIBROMATOSIS, FAMILIAL INFILTRATIVE. Identifiers: Orphanet 873, MedGen C1851124, OMIM 135290. Disease mechanism: loss of function.
Familial multiple polyposis syndrome (FAP). Also called: Classic familial adenomatous polyposis; Familial Adenomatous Polyposis (FAP); Familial adenomatous polyposis; Familial intestinal polyposis; Familial polyposis. Identifiers: Orphanet 733, MedGen C0032580, MONDO:0021055. Disease mechanism: loss of function.

Allele frequency attached by ClinVar (database versions not stated): gnomAD exomes 0.00060 and 0.00030; gnomAD 0.00033 and 0.00034; TOPMed 0.00036; ESP Exome Variant Server 0.00031; ExAC 0.00052.
gnomAD v4.1: 534 of 1,612,790 alleles (0.033%); highest among the groups gnomAD compares: Non-Finnish European, 0.0099%; no homozygotes.

Submissions 1 to 15 of 23:

CeGaT Center for Human Genetics Tuebingen
Classification: Likely benign. Last evaluated: 2026-09-01. Review status: criteria provided, single submitter. Criteria: CeGaT Center For Human Genetics Tuebingen Variant Classification Criteria Version 2. Collection method: clinical testing. Allele origin: germline. Affected: yes. Observed: 34 variant alleles.
Comment: APC: BS1

Labcorp Genetics (formerly Invitae), Labcorp
Classification: Benign for Familial adenomatous polyposis 1. Last evaluated: 2026-02-03. Review status: criteria provided, single submitter. Criteria: Invitae Variant Classification Sherloc (09022015). Collection method: clinical testing. Allele origin: germline.

Center for Genomic Medicine, Rigshospitalet, Copenhagen University Hospital
Classification: Uncertain significance. Last evaluated: 2025-03-04. Review status: criteria provided, single submitter. Criteria: ACMG Guidelines, 2015. Collection method: clinical testing. Allele origin: germline.

Blueprint Genetics
Classification: Likely benign. Last evaluated: 2024-11-07. Review status: criteria provided, single submitter. Criteria: ACMG Guidelines, 2015. Collection method: clinical testing. Allele origin: germline.

All of Us Research Program, National Institutes of Health
Classification: Likely benign for Classic or attenuated familial adenomatous polyposis. Last evaluated: 2024-09-23. Review status: criteria provided, single submitter. Criteria: ACMG Guidelines, 2015. Collection method: clinical testing. Allele origin: germline. Inheritance: Autosomal dominant inheritance. Observed: 194 variant alleles, 192 heterozygotes, 2 homozygotes.
Comment: This study involves interpretation of variants in research participants for the purpose of population health screening. Participant phenotype was not available at the time of variant classification. Additional details can be found in publication PMID: 35346344, PMCID: PMC8962531

Institute for Biomarker Research, Medical Diagnostic Laboratories, L.L.C.
Classification: Uncertain significance for Hereditary cancer-predisposing syndrome. Last evaluated: 2023-01-24. Review status: criteria provided, single submitter. Criteria: ACMG Guidelines, 2015. Collection method: clinical testing. Allele origin: germline.

Quest Diagnostics Nichols Institute San Juan Capistrano
Classification: Benign. Last evaluated: 2023-01-05. Review status: criteria provided, single submitter. Criteria: Quest Diagnostics criteria. Collection method: clinical testing. Allele origin: unknown.

Women's Health and Genetics/Laboratory Corporation of America, LabCorp
Classification: Benign. Last evaluated: 2022-07-14. Review status: criteria provided, single submitter. Criteria: LabCorp Variant Classification Summary - May 2015. Collection method: clinical testing. Allele origin: germline.
Comment: Variant summary: APC c.607C>G (p.Gln203Glu) results in a conservative amino acid change in the encoded protein sequence. Three of five in-silico tools predict a damaging effect of the variant on protein function. The variant allele was found at a frequency of 0.00062 in 251556 control chromosomes (gnomAD). The observed variant frequency is approximately 9 fold of the estimated maximal expected allele frequency for a pathogenic variant in APC causing Familial Adenomatous Polyposis phenotype (7.1e-05), strongly suggesting that the variant is benign. c.607C>G has been reported in the literature in individuals affected with adrenocortical carcinoma and ependymoma (example, Zhang_2015), endometrial cancer (example, Kogan_2018), and male breast cancer (example, Rizzolo_2019). These reports however, do not provide unequivocal conclusions about association of the variant with Familial Adenomatous Polyposis. At-least one co-occurrence with another pathogenic variant has been observed at our laboratory (BRCA1 c.68_69delAG, p.Glu23ValfsX17) providing supporting evidence for a benign role. To our knowledge, no experimental evidence demonstrating an impact on protein function has been reported. Multiple other ClinVar submitters (evaluation after 2014) cite the variant with a predominant consensus as as likely benign/benign (n=11) or uncertain significance (n=1). Based on the evidence outlined above, the variant was classified as benign.

Sema4
Classification: Benign for Hereditary cancer-predisposing syndrome. Last evaluated: 2020-07-27. Review status: criteria provided, single submitter. Criteria: Sema4 Curation Guidelines. Collection method: curation. Allele origin: germline.

Illumina Laboratory Services, Illumina
Classification: Uncertain significance for APC-Associated Polyposis Disorders. Last evaluated: 2019-05-29. Review status: criteria provided, single submitter. Criteria: ICSL Variant Classification Criteria 13 December 2019. Collection method: clinical testing. Allele origin: germline.
Comment: This variant was observed as part of a predisposition screen in an ostensibly healthy population. A literature search was performed for the gene, cDNA change, and amino acid change (where applicable). Publications were found based on this search. However, the evidence from the literature, in combination with allele frequency data from public databases where available, was not sufficient to rule this variant in or out of causing disease. Therefore, this variant is classified as a variant of unknown significance.

Mendelics
Classification: Likely benign for Familial adenomatous polyposis 1. Last evaluated: 2019-05-28. Review status: criteria provided, single submitter. Criteria: Mendelics Assertion Criteria 2017. Collection method: clinical testing. Allele origin: unknown.

University of Washington Department of Laboratory Medicine, University of Washington
Classification: Likely benign for Familial multiple polyposis syndrome. Last evaluated: 2018-05-29. Review status: criteria provided, single submitter. Criteria: Tsai GJ et al. (Genet Med 2018). Collection method: research. Allele origin: germline. Inheritance: Autosomal dominant inheritance. Affected: yes.
Comment: The APC variant designated as NM_000038.5:c.607C>G (p.Gln203Glu) is classified as likely benign. This variant is found in approximately 1 out of 500 individuals of European ancestry, which is a higher frequency than expected of a pathogenic APC variant (Kobayashi et al, 2017, PMID:28166811). It is listed in the ClinVar database (Variation ID: 41509) and has been classified as benign or likely benign by 7 clinical laboratories. In one obseved family, this variant was identified in two members who have been documented to have fewer than 5 colon polyps on colonoscopy. Bayesian analysis integrating all of this data (Tavtigian et al, 2018, PMID: 29300386) gives about 1% probability of pathogenicity, which is consistent with a classification of likely benign. This variant is not predicted to alter APC function or modify cancer risk. A modest (less than 2-fold) increase in risk of cancer or colon polyps due to this variant cannot be excluded. This analysis was performed in conjunction with the family studies project as part of the University of Washington Find My Variant Study.

GeneDx
Classification: Benign. Last evaluated: 2018-01-31. Review status: criteria provided, single submitter. Criteria: GeneDx Variant Classification (06012015). Collection method: clinical testing. Allele origin: germline. Affected: yes.
Comment: This variant is considered likely benign or benign based on one or more of the following criteria: it is a conservative change, it occurs at a poorly conserved position in the protein, it is predicted to be benign by multiple in silico algorithms, and/or has population frequency not consistent with disease.

PreventionGenetics, part of Exact Sciences
Classification: Likely benign. Last evaluated: 2017-09-15. Review status: criteria provided, single submitter. Criteria: ACMG Guidelines, 2015. Collection method: clinical testing. Allele origin: germline.

Laboratory for Molecular Medicine, Mass General Brigham Personalized Medicine
Classification: Likely benign. Last evaluated: 2016-12-14. Review status: criteria provided, single submitter. Criteria: LMM Criteria. Collection method: clinical testing. Allele origin: germline.
Comment: Variant identified in a genome or exome case(s) and assessed due to predicted null impact of the variant or pathogenic assertions in the literature or databases. Disclaimer: This variant has not undergone full assessment. The following are preliminary notes: This variant is present in 1.2% of Ashkenazi Jewish alleles in gnomAD (121/10150). Frequency too high for disease. It is classified in ClinVar with 1 star as Likely benign/benign by Invitae and Ambry and as VUS by GeneDx and Biesecker lab.